The following is an entry in ClinVar:

ClinVar aggregate classification (germline): Uncertain significance (1 of 4 stars; one submission).

Allele frequency attached by ClinVar (database versions not stated): TOPMed 0.00002.

Submission:

Labcorp Genetics (formerly Invitae), Labcorp
Classification: Uncertain significance. Last evaluated: 2023-08-10. Review status: criteria provided, single submitter. Criteria: Invitae Variant Classification Sherloc (09022015). Collection method: clinical testing. Allele origin: germline.
Comment: In summary, the available evidence is currently insufficient to determine the role of this variant in disease. Therefore, it has been classified as a Variant of Uncertain Significance. Advanced modeling of protein sequence and biophysical properties (such as structural, functional, and spatial information, amino acid conservation, physicochemical variation, residue mobility, and thermodynamic stability) performed at Invitae indicates that this missense variant is not expected to disrupt USH2A protein function. This variant has not been reported in the literature in individuals affected with USH2A-related conditions. This variant is not present in population databases (gnomAD no frequency). This sequence change replaces aspartic acid, which is acidic and polar, with tyrosine, which is neutral and polar, at codon 4953 of the USH2A protein (p.Asp4953Tyr).

NM_206933.4(USH2A):c.14857G>T (p.Asp4953Tyr)

Gene: USH2A (usherin; minus strand). Cytogenetic location: 1q41.
Variant type: single nucleotide variant.
Coding change: c.14857G>T on transcript NM_206933.4 (MANE Select); coding-DNA position 14857, G replaced by T.
Protein change: p.Asp4953Tyr; replaces aspartic acid 4953 with tyrosine.
Molecular consequence: missense variant.
Genome position (GRCh38, 1-based): chr1:215,640,669, C>A on the plus strand (G>T on the coding strand, the complement: USH2A is on the minus strand). VCF-style: chr1-215640669-C-A. GRCh37 (hg19) VCF-style: chr1-215814011-C-A.
Other names: short protein forms D4953Y.
Identifiers: ClinVar variation 2749441 (VCV002749441.3), dbSNP rs1229912531, ClinGen allele CA344828126.
Genomic context (GRCh38, chr1:215,640,669, plus strand): 5'-CGCGTCGCCCTCCGTCGGTTAACACGTACTCCTTCAGTTGGCCGTTCAGGAGGAAGGTGT[C>A]ACTCCAGTTCACACACACCACAGACAAATTGCTGTCCACCGAAAATGGGGCTCGGTACTG-3'
Protein context (NP_996816.3, residues 4943-4963): NLSVVCVNWS[Asp4953Tyr]TFLLNGQLKE